The following is an entry in ClinVar:

NM_001267550.2(TTN):c.65046del (p.Arg21682fs)

Genes: TTN (titin; minus strand), TTN-AS1 (TTN antisense RNA 1; plus strand). Cytogenetic location: 2q31.2.
Variant type: Deletion.
Coding change: c.65046del on transcript NM_001267550.2 (MANE Select); coding-DNA position 65046, one base deleted (A; older notation c.65046delA).
Protein change: p.Arg21682fs; shifts the reading frame from arginine 21682.
Molecular consequence: frameshift variant.
Genome position (GRCh38, 1-based): chr2:178,584,505, T deleted on the plus strand (A on the coding strand, the reverse complement: TTN is on the minus strand). VCF-style (leftmost placement, unchanged base first): chr2-178584504-GT-G. GRCh37 (hg19) VCF-style: chr2-179449231-GT-G.
Other names: c.60123del, p.Arg20041fs (NM_001256850.1); c.37851del, p.Arg12617fs (NM_003319.4); c.57342del, p.Arg19114fs (NM_133378.4); c.38226del, p.Arg12742fs (NM_133432.3); c.38427del, p.Arg12809fs (NM_133437.4); short protein forms R12617fs, R12742fs, R12809fs, R19114fs, R20041fs, R21682fs.
Identifiers: ClinVar variation 3757826 (VCV003757826.2).

ClinVar aggregate classification (germline): Likely pathogenic (1 of 4 stars; one submission).

Conditions:
Dilated cardiomyopathy 1G (CMD1G). Identifiers: Orphanet 154, MedGen C1858763, MONDO:0011400, OMIM 604145.
Autosomal recessive limb-girdle muscular dystrophy type 2J (LGMDR10). Also called: Limb-girdle muscular dystrophy, type 2J; MUSCULAR DYSTROPHY, LIMB-GIRDLE, AUTOSOMAL RECESSIVE 10. Identifiers: Orphanet 140922, MedGen C1837342, MONDO:0012127, OMIM 608807.

Submission:

Labcorp Genetics (formerly Invitae), Labcorp
Classification: Likely pathogenic for Dilated cardiomyopathy 1G; Autosomal recessive limb-girdle muscular dystrophy type 2J. Last evaluated: 2025-02-06. Review status: criteria provided, single submitter. Criteria: Invitae Variant Classification Sherloc (09022015). Collection method: clinical testing. Allele origin: germline.
Comment: This sequence change creates a premature translational stop signal (p.Arg21682Serfs*14) in the TTN gene. While this is not anticipated to result in nonsense mediated decay, it is expected to create a truncated TTN protein. This variant is not present in population databases (gnomAD no frequency). This variant has not been reported in the literature in individuals affected with TTN-related conditions. This variant is located in the A band of TTN (PMID: 25589632). Truncating variants in this region are significantly overrepresented in patients affected with dilated cardiomyopathy (PMID: 25589632). Truncating variants in this region have also been reported in individuals affected with autosomal recessive centronuclear myopathy (PMID: 23975875). In summary, the currently available evidence indicates that the variant is pathogenic, but additional data are needed to prove that conclusively. Therefore, this variant has been classified as Likely Pathogenic.

Literature cited by the submitters: PubMed 25589632; PubMed 23975875.